The following is an entry in ClinVar:

NM_017882.3(CLN6):c.850C>T (p.Pro284Ser)

Gene: CLN6 (CLN6 transmembrane ER protein; minus strand). Cytogenetic location: 15q23.
Variant type: single nucleotide variant.
Coding change: c.850C>T on transcript NM_017882.3 (MANE Select); coding-DNA position 850, C replaced by T.
Protein change: p.Pro284Ser; replaces proline 284 with serine.
Molecular consequence: missense variant.
Genome position (GRCh38, 1-based): chr15:68,208,226, G>A on the plus strand (C>T on the coding strand, the complement: CLN6 is on the minus strand). VCF-style: chr15-68208226-G-A. GRCh37 (hg19) VCF-style: chr15-68500564-G-A.
Other names: short protein forms P284S.
Identifiers: ClinVar variation 663907 (VCV000663907.7), dbSNP rs369715206, ClinGen allele CA272382728.

ClinVar aggregate classification (germline): Uncertain significance. Review status: criteria provided, multiple submitters, no conflicts (2 of 4 stars). 2 submissions from 2 submitters: Uncertain significance (2). Last evaluated 2022-01-15.

Conditions:
Neuronal ceroid lipofuscinosis. Also called: Neuronal Ceroid Lipofuscinoses. Identifiers: Orphanet 216, Orphanet 79263, MedGen C0027877, MONDO:0016295. Disease mechanism: loss of function.

Allele frequency attached by ClinVar (database versions not stated): TOPMed below 0.00001; gnomAD 0.00001; ESP Exome Variant Server 0.00008.

Submissions (2):

Labcorp Genetics (formerly Invitae), Labcorp
Classification: Uncertain significance for Neuronal ceroid lipofuscinosis. Last evaluated: 2022-01-15. Review status: criteria provided, single submitter. Criteria: Invitae Variant Classification Sherloc (09022015). Collection method: clinical testing. Allele origin: germline.
Comment: This sequence change replaces proline, which is neutral and non-polar, with serine, which is neutral and polar, at codon 284 of the CLN6 protein (p.Pro284Ser). This variant is not present in population databases (gnomAD no frequency). This variant has not been reported in the literature in individuals affected with CLN6-related conditions. ClinVar contains an entry for this variant (Variation ID: 663907). Algorithms developed to predict the effect of missense changes on protein structure and function (SIFT, PolyPhen-2, Align-GVGD) all suggest that this variant is likely to be tolerated. In summary, the available evidence is currently insufficient to determine the role of this variant in disease. Therefore, it has been classified as a Variant of Uncertain Significance.

GeneDx
Classification: Uncertain significance. Last evaluated: 2021-04-21. Review status: criteria provided, single submitter. Criteria: GeneDx Variant Classification Process June 2021. Collection method: clinical testing. Allele origin: germline. Affected: yes.
Comment: Not observed in large population cohorts (Lek et al., 2016); In silico analysis supports that this missense variant has a deleterious effect on protein structure/function; In silico analysis, which includes protein predictors and evolutionary conservation, supports that this variant does not alter protein structure/function